The following is an entry in ClinVar:

ClinVar aggregate classification (germline): Uncertain significance (1 of 4 stars; one submission).

Allele frequency attached by ClinVar (database versions not stated): TOPMed below 0.00001; gnomAD exomes 0.00001; ExAC 0.00003.
gnomAD v4.1: 14 of 1,614,126 alleles (0.00087%); highest among the groups gnomAD compares: Non-Finnish European, 0.0011%; no homozygotes.

Submission:

Labcorp Genetics (formerly Invitae), Labcorp
Classification: Uncertain significance. Last evaluated: 2022-03-15. Review status: criteria provided, single submitter. Criteria: Invitae Variant Classification Sherloc (09022015). Collection method: clinical testing. Allele origin: germline.
Comment: This sequence change replaces glutamic acid, which is acidic and polar, with glycine, which is neutral and non-polar, at codon 2997 of the LRP2 protein (p.Glu2997Gly). This variant is present in population databases (rs779059664, gnomAD 0.004%). This variant has not been reported in the literature in individuals affected with LRP2-related conditions. Advanced modeling of protein sequence and biophysical properties (such as structural, functional, and spatial information, amino acid conservation, physicochemical variation, residue mobility, and thermodynamic stability) performed at Invitae indicates that this missense variant is expected to disrupt LRP2 protein function. In summary, the available evidence is currently insufficient to determine the role of this variant in disease. Therefore, it has been classified as a Variant of Uncertain Significance.

NM_004525.3(LRP2):c.8990A>G (p.Glu2997Gly)

Gene: LRP2 (LDL receptor related protein 2; minus strand). Cytogenetic location: 2q31.1.
Variant type: single nucleotide variant.
Coding change: c.8990A>G on transcript NM_004525.3 (MANE Select); coding-DNA position 8990, A replaced by G.
Protein change: p.Glu2997Gly; replaces glutamic acid 2997 with glycine.
Molecular consequence: missense variant.
Genome position (GRCh38, 1-based): chr2:169,191,874, T>C on the plus strand (A>G on the coding strand, the complement: LRP2 is on the minus strand). VCF-style: chr2-169191874-T-C. GRCh37 (hg19) VCF-style: chr2-170048384-T-C.
Other names: short protein forms E2997G.
Identifiers: ClinVar variation 2110232 (VCV002110232.1), dbSNP rs779059664, ClinGen allele CA1953706.